The following is an entry in ClinVar:

ClinVar aggregate classification (germline): Pathogenic. Review status: criteria provided, multiple submitters, no conflicts (2 of 4 stars). 3 submissions from 3 submitters: Pathogenic (3). Last evaluated 2024-05-25.

Conditions:
Hypertrophic cardiomyopathy. Also called: HYPERTROPHIC MYOCARDIOPATHY. Identifiers: Orphanet 217569, MedGen C0007194, MeSH D002312, MONDO:0005045, HP:0001639.

Submissions (3):

Labcorp Genetics (formerly Invitae), Labcorp
Classification: Pathogenic for Hypertrophic cardiomyopathy. Last evaluated: 2024-05-25. Review status: criteria provided, single submitter. Criteria: Invitae Variant Classification Sherloc (09022015). Collection method: clinical testing. Allele origin: germline.
Comment: This sequence change creates a premature translational stop signal (p.Gln981Hisfs*68) in the MYBPC3 gene. It is expected to result in an absent or disrupted protein product. Loss-of-function variants in MYBPC3 are known to be pathogenic (PMID: 19574547). This variant is not present in population databases (gnomAD no frequency). This premature translational stop signal has been observed in individual(s) with hypertrophic cardiomyopathy (PMID: 25611685, 27532257). ClinVar contains an entry for this variant (Variation ID: 42672). For these reasons, this variant has been classified as Pathogenic.

Athena Diagnostics
Classification: Pathogenic. Last evaluated: 2024-02-16. Review status: criteria provided, single submitter. Criteria: Athena Diagnostics Criteria. Collection method: clinical testing. Allele origin: unknown.
Comment: This variant is expected to result in the loss of a functional protein. This variant has been identified in at least one individual with clinical features associated with epilepsy. This variant has not been reported in large, multi-ethnic general populations.

Laboratory for Molecular Medicine, Mass General Brigham Personalized Medicine
Classification: Pathogenic for Hypertrophic cardiomyopathy. Last evaluated: 2012-03-05. Review status: criteria provided, single submitter. Criteria: LMM Criteria. Collection method: clinical testing. Allele origin: germline. Observed: 4 variant alleles.
Comment: The Gln981fs variant (MYBPC3) has not been reported in the literature but has be en identified in two probands with HCM out of over 2,000 Caucasian probands test ed by our laboratory. This frameshift variant is predicted to alter the protein? s amino acid sequence beginning at position 981 and lead to a premature terminat ion codon 68 amino acids downstream. This alteration is then predicted to lead t o a truncated or absent protein. Heterozygous loss of function of function of th e MYBPC3 gene is an established disease mechanism in HCM patients. In summary, t his variant meets our criteria to be classified as pathogenic.

Literature cited by the submitters: PubMed 19574547 (cited by Labcorp Genetics (formerly Invitae), Labcorp); PubMed 25611685 (cited by Labcorp Genetics (formerly Invitae), Labcorp and Athena Diagnostics); PubMed 27532257 (cited by Labcorp Genetics (formerly Invitae), Labcorp and Athena Diagnostics); PubMed 32841044 (cited by Athena Diagnostics); PubMed 30297972 (cited by Athena Diagnostics); PubMed 30674652 (cited by Athena Diagnostics).

NM_000256.3(MYBPC3):c.2943_2947del (p.Gln981fs)

Gene: MYBPC3 (myosin binding protein C3; minus strand). Cytogenetic location: 11p11.2.
Variant type: Deletion.
Coding change: c.2943_2947del on transcript NM_000256.3 (MANE Select); coding-DNA positions 2943 to 2947, 5 bases deleted (GACCA; older notation c.2943_2947delGACCA).
Protein change: p.Gln981fs; shifts the reading frame from glutamine 981.
Molecular consequence: frameshift variant.
Genome position (GRCh38, 1-based): chr11:47,333,969-47,333,973, TGGTC deleted on the plus strand (GACCA on the coding strand, the reverse complement: MYBPC3 is on the minus strand); deleting any 5 consecutive bases within chr11:47,333,969-47,333,976 gives the same sequence; the c. name uses the placement nearest the transcript's 3' end. VCF-style (leftmost placement, unchanged base first): chr11-47333968-ATGGTC-A. GRCh37 (hg19) VCF-style: chr11-47355519-ATGGTC-A.
Other names: c.2943_2947delGACCA (NM_000256.3); c.2943_2947del, p.Gln981fs (LRG_386t1); short protein forms Q981fs.
Identifiers: ClinVar variation 42672 (VCV000042672.9), dbSNP rs397515995, ClinGen allele CA013218.